The following is an entry in ClinVar:

ClinVar aggregate classification (germline): Conflicting classifications of pathogenicity. Review status: criteria provided, conflicting classifications (1 of 4 stars). 4 submissions from 4 submitters: Uncertain significance (1); Likely benign (3). Last evaluated 2026-01-27.

Conditions:
Inborn genetic diseases. Identifiers: MedGen C0950123, MeSH D030342.
Dermatofibrosis lenticularis disseminata (BOS). Also called: OSTEOPATHIA CONDENSANS DISSEMINATA; DERMATOFIBROSIS LENTICULARIS DISSEMINATA WITH OSTEOPOIKILOSIS; DERMATOOSTEOPOIKILOSIS. Identifiers: Orphanet 1306, MedGen C0265514, MONDO:0008157, OMIM 166700.

Allele frequency attached by ClinVar (database versions not stated): gnomAD exomes 0.00007 and 0.00016; ExAC 0.00011; gnomAD 0.00017 and 0.00019; TOPMed 0.00023.
gnomAD v4.1: 134 of 1,614,068 alleles (0.0083%); highest among the groups gnomAD compares: Admixed American, 0.043%; no homozygotes.

Submissions (4):

Labcorp Genetics (formerly Invitae), Labcorp
Classification: Likely benign. Last evaluated: 2026-01-27. Review status: criteria provided, single submitter. Criteria: Invitae Variant Classification Sherloc (09022015). Collection method: clinical testing. Allele origin: germline.

Blueprint Genetics
Classification: Likely benign. Last evaluated: 2024-07-01. Review status: criteria provided, single submitter. Criteria: ACMG Guidelines, 2015. Collection method: clinical testing. Allele origin: germline.

Ambry Genetics
Classification: Uncertain significance for Inborn genetic diseases. Last evaluated: 2021-07-14. Review status: criteria provided, single submitter. Criteria: Ambry Variant Classification Scheme 2023. Collection method: clinical testing. Allele origin: germline.

Illumina Laboratory Services, Illumina
Classification: Likely benign for Dermatofibrosis lenticularis disseminata. Last evaluated: 2018-01-13. Review status: criteria provided, single submitter. Criteria: ICSL Variant Classification Criteria 13 December 2019. Collection method: clinical testing. Allele origin: germline.
Comment: This variant was observed in the ICSL laboratory as part of a predisposition screen in an ostensibly healthy population. It had not been previously curated by ICSL or reported in the Human Gene Mutation Database (HGMD: prior to June 1st, 2018), and was therefore a candidate for classification through an automated scoring system. Utilizing variant allele frequency, disease prevalence and penetrance estimates, and inheritance mode, an automated score was calculated to assess if this variant is too frequent to cause the disease. Based on the score and internal cut-off values, a variant classified as likely benign is not then subjected to further curation. The score for this variant resulted in a classification of likely benign for this disease.

NM_014319.5(LEMD3):c.1063C>T (p.Pro355Ser)

Gene: LEMD3 (LEM domain containing 3; plus strand). Cytogenetic location: 12q14.3.
Variant type: single nucleotide variant.
Coding change: c.1063C>T on transcript NM_014319.5 (MANE Select); coding-DNA position 1063, C replaced by T.
Protein change: p.Pro355Ser; replaces proline 355 with serine.
Molecular consequence: missense variant.
Genome position (GRCh38, 1-based): chr12:65,170,659, C>T. VCF-style: chr12-65170659-C-T. GRCh37 (hg19) VCF-style: chr12-65564439-C-T.
Other names: c.1063C>T, p.Pro355Ser (NM_001167614.2); short protein forms P355S.
Identifiers: ClinVar variation 310231 (VCV000310231.14), dbSNP rs202161021, ClinGen allele CA6670838.